The following is an entry in ClinVar:

NM_001006658.3(CR2):c.824T>C (p.Phe275Ser)

Genes: CR2 (complement C3d receptor 2; plus strand), LOC126805994 (BRD4-independent group 4 enhancer GRCh37_chr1:207642622-207643821; plus strand). Cytogenetic location: 1q32.2.
Variant type: single nucleotide variant.
Coding change: c.824T>C on transcript NM_001006658.3 (MANE Select); coding-DNA position 824, T replaced by C.
Protein change: p.Phe275Ser; replaces phenylalanine 275 with serine.
Molecular consequence: missense variant.
Genome position (GRCh38, 1-based): chr1:207,469,701, T>C. VCF-style: chr1-207469701-T-C. GRCh37 (hg19) VCF-style: chr1-207643046-T-C.
Other names: c.824T>C, p.Phe275Ser (NM_001877.5); c.824T>C (NM_001006658.2); short protein forms F275S.
Identifiers: ClinVar variation 1479116 (VCV001479116.9), dbSNP rs376314088, ClinGen allele CA1368563.
Genomic context (GRCh38, chr1:207,469,701, plus strand): 5'-TCTTTGTTTTCAATACACCTATGATCTTGTCATTTCTTTCTGCAATTCCCCTAGAAATTT[T>C]TTGCCCATCACCTCCCCCTATTCTCAATGGAAGACATATAGGCAACTCACTAGCAAATGT-3'
Protein context (NP_001006659.1, residues 265-285): WTKMPVCEEI[Phe275Ser]CPSPPPILNG

ClinVar aggregate classification (germline): Uncertain significance. Review status: criteria provided, multiple submitters, no conflicts (2 of 4 stars). 3 submissions from 3 submitters: Uncertain significance (3). Last evaluated 2025-09-29.

Conditions:
Immunodeficiency, common variable, 7. Identifiers: Orphanet 1572, Orphanet 696894, MedGen C3542922, MONDO:0013862, OMIM 614699.
Inborn genetic diseases. Identifiers: MedGen C0950123, MeSH D030342.

Allele frequency attached by ClinVar (database versions not stated): TOPMed 0.00003; gnomAD 0.00006 and 0.00005; gnomAD exomes 0.00001 and below 0.00001; ExAC 0.00002; ESP Exome Variant Server 0.00008.
gnomAD v4.1: 13 of 1,613,608 alleles (0.00081%); highest among the groups gnomAD compares: African/African-American, 0.017%; no homozygotes.

Submissions (3):

Ambry Genetics
Classification: Uncertain significance for Inborn genetic diseases. Last evaluated: 2025-09-29. Review status: criteria provided, single submitter. Criteria: Ambry Variant Classification Scheme 2023. Collection method: clinical testing. Allele origin: germline.

Genome-Nilou Lab
Classification: Uncertain significance for Immunodeficiency, common variable, 7. Last evaluated: 2023-04-11. Review status: criteria provided, single submitter. Criteria: ACMG Guidelines, 2015. Collection method: clinical testing. Allele origin: germline. Affected: no.

Labcorp Genetics (formerly Invitae), Labcorp
Classification: Uncertain significance for Immunodeficiency, common variable, 7. Last evaluated: 2022-03-19. Review status: criteria provided, single submitter. Criteria: Invitae Variant Classification Sherloc (09022015). Collection method: clinical testing. Allele origin: germline.
Comment: In summary, the available evidence is currently insufficient to determine the role of this variant in disease. Therefore, it has been classified as a Variant of Uncertain Significance. Algorithms developed to predict the effect of missense changes on protein structure and function are either unavailable or do not agree on the potential impact of this missense change (SIFT: "Deleterious"; PolyPhen-2: "Benign"; Align-GVGD: "Class C0"). This variant has not been reported in the literature in individuals affected with CR2-related conditions. This variant is present in population databases (rs376314088, gnomAD 0.02%). This sequence change replaces phenylalanine, which is neutral and non-polar, with serine, which is neutral and polar, at codon 275 of the CR2 protein (p.Phe275Ser).